The following is an entry in ClinVar:

ClinVar aggregate classification (germline): Uncertain significance (1 of 4 stars; one submission).

gnomAD v4.1: 11 of 1,613,564 alleles (0.00068%); highest among the groups gnomAD compares: Non-Finnish European, 0.00093%; no homozygotes.

Submissions (2):

GeneDx
Classification: Uncertain significance. Last evaluated: 2025-04-22. Review status: criteria provided, single submitter. Criteria: GeneDx Variant Classification Process June 2021. Collection method: clinical testing. Allele origin: germline. Affected: yes.
Comment: Not observed at significant frequency in large population cohorts (gnomAD); In silico analysis supports a deleterious effect on splicing; Has not been previously published as pathogenic or benign to our knowledge

Dr. Peter K. Rogan Lab, Western University
No classification provided (evidence only). Condition: Cervical cancer. Review status: no classification provided. Collection method: in vitro. Allele origin: not applicable. Functional consequence: retained intron. Not counted in ClinVar's aggregate classification.

NM_001130987.2(DYSF):c.5785-8C>A

Gene: DYSF (dysferlin; plus strand). Cytogenetic location: 2p13.2.
Variant type: single nucleotide variant.
Coding change: c.5785-8C>A on transcript NM_001130987.2 (MANE Select); 8 bases into the intron before coding-DNA position 5785, C replaced by A.
Molecular consequence: intron variant.
Genome position (GRCh38, 1-based): chr2:71,674,189, C>A. VCF-style: chr2-71674189-C-A. GRCh37 (hg19) VCF-style: chr2-71901319-C-A.
Other names: NC_000002.11:g.71901319C>A; c.5761-8C>A (NM_001130979.2); c.5782-8C>A (NM_001130981.2); c.5719-8C>A (NM_001130980.2); c.5731-8C>A (NM_001130978.2); c.5668-8C>A (NM_003494.4); c.5689-8C>A (NM_001130977.2); c.5626-8C>A (NM_001130976.2); and 6 more.
Identifiers: ClinVar variation 4516222 (VCV004516222.2).